The following is an entry in ClinVar:

NM_025074.7(FRAS1):c.6797T>C (p.Leu2266Pro)

Gene: FRAS1 (Fraser extracellular matrix complex subunit 1; plus strand). Cytogenetic location: 4q21.21.
Variant type: single nucleotide variant.
Coding change: c.6797T>C on transcript NM_025074.7 (MANE Select); coding-DNA position 6797, T replaced by C.
Protein change: p.Leu2266Pro; replaces leucine 2266 with proline.
Molecular consequence: missense variant.
Genome position (GRCh38, 1-based): chr4:78,464,054, T>C. VCF-style: chr4-78464054-T-C. GRCh37 (hg19) VCF-style: chr4-79385208-T-C.
Other names: short protein forms L2266P.
Identifiers: ClinVar variation 4082439 (VCV004082439.2).

ClinVar aggregate classification (germline): Uncertain significance (1 of 4 stars; one submission).

gnomAD v4.1: 147 of 1,613,670 alleles (0.0091%); highest among the groups gnomAD compares: South Asian, 0.15%; no homozygotes.

Submission:

Genetic Services Laboratory, University of Chicago
Classification: Uncertain significance. Last evaluated: 2023-03-01. Review status: criteria provided, single submitter. Criteria: ACMG Guidelines, 2015. Collection method: clinical testing. Allele origin: germline. Affected: no.
Comment: DNA sequence analysis of the FRAS1 gene demonstrated a sequence change, c.6797T>C, in exon 48 that results in an amino acid change, p.Leu2266Pro. This sequence change does not appear to have been previously described in individuals with FRAS1-related disorders. This sequence change has been described in the gnomAD database with a frequency of 0.15% in the South Asian subpopulation (dbSNP rs572932248). The p.Leu2266Pro change affects a highly conserved amino acid residue located in a domain of the FRAS1 protein that is known to be functional. The p.Leu2266Pro substitution appears to be deleterious using several in-silico pathogenicity prediction tools (SIFT, PolyPhen2, Align GVGD, REVEL). Due to insufficient evidence and the lack of functional studies, the clinical significance of the p.Leu2266Pro change remains unknown at this time.